The following is an entry in ClinVar:

NM_001378609.3(OTOGL):c.2282C>A (p.Ser761Tyr)

Gene: OTOGL (otogelin like; plus strand). Cytogenetic location: 12q21.31.
Variant type: single nucleotide variant.
Coding change: c.2282C>A on transcript NM_001378609.3 (MANE Select); coding-DNA position 2282, C replaced by A.
Protein change: p.Ser761Tyr; replaces serine 761 with tyrosine.
Molecular consequence: missense variant.
Genome position (GRCh38, 1-based): chr12:80,266,508, C>A. VCF-style: chr12-80266508-C-A. GRCh37 (hg19) VCF-style: chr12-80660288-C-A.
Other names: c.2255C>A (NM_173591.3); c.2282C>A, p.Ser761Tyr (NM_001368062.3, NM_001378610.3, NM_173591.7); short protein forms S761Y.
Identifiers: ClinVar variation 2174973 (VCV002174973.7), dbSNP rs541182010, ClinGen allele CA6700728.

ClinVar aggregate classification (germline): Likely benign. Review status: criteria provided, multiple submitters, no conflicts (2 of 4 stars). 3 submissions from 3 submitters: Likely benign (3). Last evaluated 2026-07-26.

Conditions:
Inborn genetic diseases. Identifiers: MedGen C0950123, MeSH D030342.
OTOGL-related disorder. Also called: OTOGL-related condition.

Allele frequency attached by ClinVar (database versions not stated): gnomAD 0.00007; gnomAD exomes 0.00008; 1000 Genomes Project 30x 0.00016; 1000 Genomes Project 0.00020; TOPMed 0.00020; ExAC 0.00035.
gnomAD v4.1: 131 of 1,613,486 alleles (0.0081%); highest among the groups gnomAD compares: East Asian, 0.22%; no homozygotes.

Submissions (3):

PreventionGenetics, part of Exact Sciences
Classification: Likely benign for OTOGL-related condition. Last evaluated: 2026-07-26. Review status: criteria provided, single submitter. Criteria: ACMG Guidelines, 2015. Collection method: clinical testing. Allele origin: germline.
Comment: This variant is classified as likely benign based on ACMG/AMP sequence variant interpretation guidelines (Richards et al. 2015 PMID: 25741868, with internal and published modifications).

Labcorp Genetics (formerly Invitae), Labcorp
Classification: Likely benign. Last evaluated: 2023-11-19. Review status: criteria provided, single submitter. Criteria: Invitae Variant Classification Sherloc (09022015). Collection method: clinical testing. Allele origin: germline.

Ambry Genetics
Classification: Likely benign for Inborn genetic diseases. Last evaluated: 2023-05-17. Review status: criteria provided, single submitter. Criteria: Ambry Variant Classification Scheme 2023. Collection method: clinical testing. Allele origin: germline.